The following is an entry in ClinVar:

NM_001286577.2(C2CD3):c.3548G>A (p.Arg1183His)

Gene: C2CD3 (C2 domain containing 3 centriole elongation regulator; minus strand). Cytogenetic location: 11q13.4.
Variant type: single nucleotide variant.
Coding change: c.3548G>A on transcript NM_001286577.2 (MANE Select); coding-DNA position 3548, G replaced by A.
Protein change: p.Arg1183His; replaces arginine 1183 with histidine.
Molecular consequence: missense variant.
Genome position (GRCh38, 1-based): chr11:74,090,906, C>T on the plus strand (G>A on the coding strand, the complement: C2CD3 is on the minus strand). VCF-style: chr11-74090906-C-T. GRCh37 (hg19) VCF-style: chr11-73801951-C-T.
Other names: c.3548G>A, p.Arg1183His (NM_015531.6); c.3548G>A (NM_015531.4); short protein forms R1183H.
Identifiers: ClinVar variation 1896125 (VCV001896125.3), dbSNP rs200609720, ClinGen allele CA6182356.

ClinVar aggregate classification (germline): Uncertain significance. Review status: criteria provided, multiple submitters, no conflicts (2 of 4 stars). 2 submissions from 2 submitters: Uncertain significance (2). Last evaluated 2023-12-22.

Conditions:
Inborn genetic diseases. Identifiers: MedGen C0950123, MeSH D030342.

Allele frequency attached by ClinVar (database versions not stated): ExAC 0.00002; TOPMed 0.00010.
gnomAD v4.1: 31 of 1,613,904 alleles (0.0019%); highest among the groups gnomAD compares: Middle Eastern, 0.016%; no homozygotes.

Submissions (2):

Ambry Genetics
Classification: Uncertain significance for Inborn genetic diseases. Last evaluated: 2023-12-22. Review status: criteria provided, single submitter. Criteria: Ambry Variant Classification Scheme 2023. Collection method: clinical testing. Allele origin: germline.

Labcorp Genetics (formerly Invitae), Labcorp
Classification: Uncertain significance. Last evaluated: 2022-03-11. Review status: criteria provided, single submitter. Criteria: Invitae Variant Classification Sherloc (09022015). Collection method: clinical testing. Allele origin: germline.
Comment: This sequence change replaces arginine, which is basic and polar, with histidine, which is basic and polar, at codon 1183 of the C2CD3 protein (p.Arg1183His). This variant is present in population databases (rs200609720, gnomAD 0.01%). This variant has not been reported in the literature in individuals affected with C2CD3-related conditions. Algorithms developed to predict the effect of missense changes on protein structure and function output the following: SIFT: "Tolerated"; PolyPhen-2: "Benign"; Align-GVGD: "Class C0". The histidine amino acid residue is found in multiple mammalian species, which suggests that this missense change does not adversely affect protein function. In summary, the available evidence is currently insufficient to determine the role of this variant in disease. Therefore, it has been classified as a Variant of Uncertain Significance.